The following is an entry in ClinVar:

ClinVar aggregate classification (germline): Benign/Likely benign. Review status: criteria provided, multiple submitters, no conflicts (2 of 4 stars). 10 submissions from 10 submitters: Benign (1); Likely benign (9). Last evaluated 2026-01-28.

Conditions:
Mismatch repair cancer syndrome 4. Identifiers: MedGen C5436817, MONDO:0030843, OMIM 619101.
Breast and/or ovarian cancer. Identifiers: MedGen CN221562.
Hereditary cancer-predisposing syndrome. Also called: Tumor predisposition; Neoplastic Syndromes, Hereditary; Hereditary Cancer Syndrome; Hereditary neoplastic syndrome. Identifiers: Orphanet 140162, MedGen C0027672, MeSH D009386, MONDO:0015356.
Hereditary nonpolyposis colorectal neoplasms. Identifiers: MedGen C0009405, MeSH D003123.
Lynch syndrome 4 (LYNCH4). Also called: Colorectal cancer, hereditary nonpolyposis, type 4; Hereditary non-polyposis colorectal cancer, type 4. Identifiers: Orphanet 144, MedGen C1838333, MONDO:0013699, OMIM 614337. Disease mechanism: loss of function.

Allele frequency attached by ClinVar (database versions not stated): gnomAD 0.00001; gnomAD exomes 0.00001.

Submissions (10):

Labcorp Genetics (formerly Invitae), Labcorp
Classification: Likely benign for Hereditary nonpolyposis colorectal neoplasms. Last evaluated: 2026-01-28. Review status: criteria provided, single submitter. Criteria: Invitae Variant Classification Sherloc (09022015). Collection method: clinical testing. Allele origin: germline.

Myriad Genetics, Inc.
Classification: Benign for Lynch syndrome 4. Last evaluated: 2025-02-04. Review status: criteria provided, single submitter. Criteria: Myriad Autosomal Dominant, Autosomal Recessive and X-Linked Classification Criteria (2023). Collection method: clinical testing. Allele origin: unknown.
Comment: This variant is considered benign. This variant is a silent/synonymous amino acid change and it is not expected to impact splicing.

Quest Diagnostics Nichols Institute San Juan Capistrano
Classification: Likely benign. Last evaluated: 2025-01-11. Review status: criteria provided, single submitter. Criteria: Quest Diagnostics criteria. Collection method: clinical testing. Allele origin: unknown.

Blueprint Genetics
Classification: Likely benign. Last evaluated: 2023-10-26. Review status: criteria provided, single submitter. Criteria: ACMG Guidelines, 2015. Collection method: clinical testing. Allele origin: germline.

Color Diagnostics, LLC DBA Color Health
Classification: Likely benign for Hereditary cancer-predisposing syndrome. Last evaluated: 2022-02-08. Review status: criteria provided, single submitter. Criteria: ACMG Guidelines, 2015. Collection method: clinical testing. Allele origin: germline.

CHEO Genetics Diagnostic Laboratory, Children's Hospital of Eastern Ontario
Classification: Likely benign for Breast and/or ovarian cancer. Last evaluated: 2021-07-06. Review status: criteria provided, single submitter. Criteria: ACMG Guidelines, 2015. Collection method: clinical testing. Allele origin: germline.

Department of Pathology and Laboratory Medicine, Sinai Health System
Classification: Likely benign for Mismatch repair cancer syndrome 4. Last evaluated: 2021-03-08. Review status: criteria provided, single submitter. Criteria: ACMG Guidelines, 2015. Collection method: clinical testing. Allele origin: germline. Affected: yes.

Sema4
Classification: Likely benign for Hereditary cancer-predisposing syndrome. Last evaluated: 2020-09-09. Review status: criteria provided, single submitter. Criteria: Sema4 Curation Guidelines. Collection method: curation. Allele origin: germline.

GeneDx
Classification: Likely benign. Last evaluated: 2016-10-10. Review status: criteria provided, single submitter. Criteria: GeneDx Variant Classification (06012015). Collection method: clinical testing. Allele origin: germline. Affected: yes.
Comment: This variant is considered likely benign or benign based on one or more of the following criteria: it is a conservative change, it occurs at a poorly conserved position in the protein, it is predicted to be benign by multiple in silico algorithms, and/or has population frequency not consistent with disease.

Ambry Genetics
Classification: Likely benign for Hereditary cancer-predisposing syndrome. Last evaluated: 2015-09-06. Review status: criteria provided, single submitter. Criteria: Ambry Variant Classification Scheme 2023. Collection method: clinical testing. Allele origin: germline.

NM_000535.7(PMS2):c.2373C>T (p.Ser791=)

Gene: PMS2 (PMS1 homolog 2, mismatch repair system component; minus strand). Cytogenetic location: 7p22.1.
Variant type: single nucleotide variant.
Coding change: c.2373C>T on transcript NM_000535.7 (MANE Select); coding-DNA position 2373, C replaced by T.
Protein change: p.Ser791=; no amino-acid change (serine 791 retained).
Molecular consequence: synonymous variant. On other transcripts: non-coding transcript variant (1).
Genome position (GRCh38, 1-based): chr7:5,977,660, G>A on the plus strand (C>T on the coding strand, the complement: PMS2 is on the minus strand). VCF-style: chr7-5977660-G-A. GRCh37 (hg19) VCF-style: chr7-6017291-G-A.
Other names: c.1968C>T, p.Ser656= (NM_001322003.2, NM_001322004.2, NM_001322005.2); c.2217C>T, p.Ser739= (NM_001322006.2); c.2055C>T, p.Ser685= (NM_001322007.2, NM_001322008.2); c.2001C>T, p.Ser667= (NM_001322009.2); c.1812C>T, p.Ser604= (NM_001322010.2); c.1440C>T, p.Ser480= (NM_001322011.2, NM_001322012.2); c.1800C>T, p.Ser600= (NM_001322013.2); c.2406C>T, p.Ser802= (NM_001322014.2); and 2 more.
Identifiers: ClinVar variation 221164 (VCV000221164.24), dbSNP rs864622765, ClinGen allele CA348548.